The following is an entry in ClinVar:

ClinVar aggregate classification (germline): Uncertain significance (1 of 4 stars; one submission).

Conditions:
Inborn genetic diseases. Identifiers: MedGen C0950123, MeSH D030342.

Allele frequency attached by ClinVar (database versions not stated): gnomAD exomes below 0.00001; ExAC 0.00001.

Submission:

Ambry Genetics
Classification: Uncertain significance for Inborn genetic diseases. Last evaluated: 2022-04-22. Review status: criteria provided, single submitter. Criteria: Ambry Variant Classification Scheme 2023. Collection method: clinical testing. Allele origin: germline.
Comment: The p.G1109D variant (also known as c.3326G>A), located in coding exon 16 of the ATR gene, results from a G to A substitution at nucleotide position 3326. The glycine at codon 1109 is replaced by aspartic acid, an amino acid with similar properties. This amino acid position is conserved. In addition, the in silico prediction for this alteration is inconclusive. Since supporting evidence is limited at this time, the clinical significance of this alteration remains unclear.

NM_001184.4(ATR):c.3326G>A (p.Gly1109Asp)

Gene: ATR (ATR checkpoint kinase; minus strand). Cytogenetic location: 3q23.
Variant type: single nucleotide variant.
Coding change: c.3326G>A on transcript NM_001184.4 (MANE Select); coding-DNA position 3326, G replaced by A.
Protein change: p.Gly1109Asp; replaces glycine 1109 with aspartic acid.
Molecular consequence: missense variant.
Genome position (GRCh38, 1-based): chr3:142,547,756, C>T on the plus strand (G>A on the coding strand, the complement: ATR is on the minus strand). VCF-style: chr3-142547756-C-T. GRCh37 (hg19) VCF-style: chr3-142266598-C-T.
Other names: c.3134G>A, p.Gly1045Asp (NM_001354579.2); short protein forms G1045D, G1109D.
Identifiers: ClinVar variation 1730251 (VCV001730251.2), dbSNP rs761664344, ClinGen allele CA2650161.
Genomic context (GRCh38, chr3:142,547,756, plus strand): 5'-AAAAAAACCTCATAGAACATATTCCTTACCATCAGTTCAGGTGATATGATATCTCTCGGG[C>T]CCTGATATGGATCATCACTGGATGCAAATGAGGCAAGTATTGACAAACCATTAAAAACCT-3'
Protein context (NP_001175.2, residues 1099-1119): SFASSDDPYQ[Gly1109Asp]PRDIISPELM